The following is an entry in ClinVar:

NM_020921.4(NIN):c.597T>A (p.Asp199Glu)

Gene: NIN (ninein; minus strand). Cytogenetic location: 14q22.1.
Variant type: single nucleotide variant.
Coding change: c.597T>A on transcript NM_020921.4 (MANE Select); coding-DNA position 597, T replaced by A.
Protein change: p.Asp199Glu; replaces aspartic acid 199 with glutamic acid.
Molecular consequence: missense variant.
Genome position (GRCh38, 1-based): chr14:50,777,018, A>T on the plus strand (T>A on the coding strand, the complement: NIN is on the minus strand). VCF-style: chr14-50777018-A-T. GRCh37 (hg19) VCF-style: chr14-51243736-A-T.
Other names: c.597T>A, p.Asp199Glu (NM_016350.5, NM_182944.3, NM_182946.2); short protein forms D199E.
Identifiers: ClinVar variation 2793991 (VCV002793991.3), dbSNP rs774146320, ClinGen allele CA7182407.

ClinVar aggregate classification (germline): Uncertain significance (1 of 4 stars; one submission).

Allele frequency attached by ClinVar (database versions not stated): gnomAD exomes 0.00001; ExAC 0.00002.
gnomAD v4.1: 6 of 1,614,262 alleles (0.00037%); highest among the groups gnomAD compares: Non-Finnish European, 0.00051%; no homozygotes.

Submission:

Labcorp Genetics (formerly Invitae), Labcorp
Classification: Uncertain significance. Last evaluated: 2023-05-22. Review status: criteria provided, single submitter. Criteria: Invitae Variant Classification Sherloc (09022015). Collection method: clinical testing. Allele origin: germline.
Comment: This sequence change replaces aspartic acid, which is acidic and polar, with glutamic acid, which is acidic and polar, at codon 199 of the NIN protein (p.Asp199Glu). This variant is present in population databases (rs774146320, gnomAD 0.002%). This variant has not been reported in the literature in individuals affected with NIN-related conditions. An algorithm developed to predict the effect of missense changes on protein structure and function (PolyPhen-2) suggests that this variant is likely to be disruptive. In summary, the available evidence is currently insufficient to determine the role of this variant in disease. Therefore, it has been classified as a Variant of Uncertain Significance.